The following is an entry in ClinVar:

NM_000138.5(FBN1):c.871G>T (p.Glu291Ter)

Gene: FBN1 (fibrillin 1; minus strand). Cytogenetic location: 15q21.1.
Variant type: single nucleotide variant.
Coding change: c.871G>T on transcript NM_000138.5 (MANE Select); coding-DNA position 871, G replaced by T.
Protein change: p.Glu291Ter; replaces glutamic acid 291 with a stop codon.
Molecular consequence: nonsense.
Genome position (GRCh38, 1-based): chr15:48,526,247, C>A on the plus strand (G>T on the coding strand, the complement: FBN1 is on the minus strand). VCF-style: chr15-48526247-C-A. GRCh37 (hg19) VCF-style: chr15-48818444-C-A.
Other names: short protein forms E291*.
Identifiers: ClinVar variation 453293 (VCV000453293.3), dbSNP rs1232880706, ClinGen allele CA392350549.

ClinVar aggregate classification (germline): Pathogenic. Review status: criteria provided, single submitter (1 of 4 stars). 2 submissions from 2 submitters: Pathogenic (1). 1 of the submissions does not count toward it. Last evaluated 2016-05-30.

Conditions:
Marfan syndrome (MFS). Also called: MARFAN SYNDROME, TYPE I; FBN1-Related Marfan Syndrome; Marfan syndrome type 1; Marfan's syndrome; Marfan syndrome, classic. Identifiers: Orphanet 284963, Orphanet 558, MedGen C0024796, MONDO:0007947, OMIM 154700.

Submissions (2):

Undiagnosed Diseases Network, NIH
Classification: Pathogenic for Marfan syndrome. Last evaluated: 2016-05-30. Review status: criteria provided, single submitter. Criteria: ACMG Guidelines, 2015. Collection method: clinical testing. Allele origin: de novo. Inheritance: Autosomal dominant inheritance. Affected: yes. Observed: 1 heterozygote.
Comment: Pathogenic variant based on genotype/phenotype relationship.

Center for Medical Genetics Ghent, University of Ghent
Classification: Likely pathogenic for Marfan syndrome. Last evaluated: 2017-11-07. Review status: no assertion criteria provided. Collection method: clinical testing. Allele origin: germline. Affected: yes. Not counted in ClinVar's aggregate classification.